The following is an entry in ClinVar:

NM_001012339.3(DNAJC21):c.340del (p.Val114fs)

Gene: DNAJC21 (DnaJ heat shock protein family (Hsp40) member C21; plus strand). Cytogenetic location: 5p13.2.
Variant type: Deletion.
Coding change: c.340del on transcript NM_001012339.3 (MANE Select); coding-DNA position 340, one base deleted (G; older notation c.340delG).
Protein change: p.Val114fs; shifts the reading frame from valine 114.
Molecular consequence: frameshift variant.
Genome position (GRCh38, 1-based): chr5:34,936,168, G deleted. VCF-style (leftmost placement, unchanged base first): chr5-34936167-TG-T. GRCh37 (hg19) VCF-style: chr5-34936272-TG-T.
Other names: c.340del, p.Val114fs (NM_001348420.2, NM_194283.4); short protein forms V114fs.
Identifiers: ClinVar variation 1452644 (VCV001452644.6), dbSNP rs745759931, ClinGen allele CA3228424.

ClinVar aggregate classification (germline): Pathogenic (1 of 4 stars; one submission).

Allele frequency attached by ClinVar (database versions not stated): gnomAD exomes 0.00001 and 0.00002; ExAC 0.00002; TOPMed 0.00002.

Submission:

Labcorp Genetics (formerly Invitae), Labcorp
Classification: Pathogenic. Last evaluated: 2022-07-12. Review status: criteria provided, single submitter. Criteria: Invitae Variant Classification Sherloc (09022015). Collection method: clinical testing. Allele origin: germline.
Comment: For these reasons, this variant has been classified as Pathogenic. ClinVar contains an entry for this variant (Variation ID: 1452644). This variant has not been reported in the literature in individuals affected with DNAJC21-related conditions. This variant is present in population databases (rs745759931, gnomAD 0.01%). This sequence change creates a premature translational stop signal (p.Val114Phefs*4) in the DNAJC21 gene. It is expected to result in an absent or disrupted protein product. Loss-of-function variants in DNAJC21 are known to be pathogenic (PMID: 27346687, 28062395).

Literature cited by the submitters: PubMed 27346687; PubMed 28062395.